The following is an entry in ClinVar:

NM_007294.4(BRCA1):c.236T>G (p.Phe79Cys)

Gene: BRCA1 (BRCA1 DNA repair associated; minus strand). Cytogenetic location: 17q21.31.
Variant type: single nucleotide variant.
Coding change: c.236T>G on transcript NM_007294.4 (MANE Select); coding-DNA position 236, T replaced by G.
Protein change: p.Phe79Cys; replaces phenylalanine 79 with cysteine.
Molecular consequence: missense variant. On other transcripts: non-coding transcript variant (1).
Genome position (GRCh38, 1-based): chr17:43,104,933, A>C on the plus strand (T>G on the coding strand, the complement: BRCA1 is on the minus strand). VCF-style: chr17-43104933-A-C. GRCh37 (hg19) VCF-style: chr17-41256950-A-C.
Other names: c.95T>G, p.Phe32Cys (NM_001407736.1, NM_001407737.1, NM_001407738.1 and 99 more transcripts); c.26T>G, p.Phe9Cys (NM_001407853.1, NM_001407879.1, NM_001407881.1 and 58 more transcripts); c.236T>G, p.Phe79Cys (NM_001407854.1, NM_001407858.1, NM_001407859.1 and 168 more transcripts); c.158T>G, p.Phe53Cys (NM_001407862.1, NM_001407874.1, NM_001407875.1 and 21 more transcripts); c.-146T>G (NM_001407959.1, NM_001407960.1, NM_001407962.1 and 4 more transcripts); c.104T>G, p.Phe35Cys (NM_001408451.1); short protein forms F32C, F79C, F35C, F9C, F53C.
Identifiers: ClinVar variation 867368 (VCV000867368.4), dbSNP rs2054691717, ClinGen allele CA10601686.

ClinVar aggregate classification (germline): Uncertain significance (1 of 4 stars; one submission).

Conditions:
Hereditary cancer-predisposing syndrome. Also called: Tumor predisposition; Hereditary Cancer Syndrome; Hereditary neoplastic syndrome; Neoplastic Syndromes, Hereditary. Identifiers: Orphanet 140162, MedGen C0027672, MeSH D009386, MONDO:0015356.

Submissions (2):

Ambry Genetics
Classification: Uncertain significance for Hereditary cancer-predisposing syndrome. Last evaluated: 2024-03-26. Review status: criteria provided, single submitter. Criteria: Ambry Variant Classification Scheme 2023. Collection method: clinical testing. Allele origin: germline.
Comment: The p.F79C variant (also known as c.236T>G), located in coding exon 4 of the BRCA1 gene, results from a T to G substitution at nucleotide position 236. The phenylalanine at codon 79 is replaced by cysteine, an amino acid with highly dissimilar properties. Protein functional studies have demonstrated this variant to be functional (Findlay GM et al. Nature, 2018 Oct;562:217-222; Clark, KA et al. Am J Hum Genet 2022 Jun;109(6):1153-1174). This amino acid position is highly conserved in available vertebrate species. In addition, this alteration is predicted to be deleterious by in silico analysis. Based on the available evidence, the clinical significance of this alteration remains unclear.

Brotman Baty Institute, University of Washington
No classification provided (evidence only). Condition: Breast-ovarian cancer, familial 1. Review status: no classification provided. Collection method: in vitro. Allele origin: not applicable. Functional consequence: functionally_normal. Not counted in ClinVar's aggregate classification.
ClinVar note: "not provided" was previously submitted as the classification for the variant. However, the classification appeared to be based only on an observation of functional data so it was converted to no classification on 2025-07-30.

Literature cited by the submitters: PubMed 30209399 (cited by Ambry Genetics); PubMed 35659930 (cited by Ambry Genetics).